The following is an entry in ClinVar:

ClinVar aggregate classification (germline): Benign. Review status: criteria provided, multiple submitters, no conflicts (2 of 4 stars). 2 submissions from 2 submitters: Benign (2). Last evaluated 2018-01-13.

Conditions:
Posterior column ataxia-retinitis pigmentosa syndrome (RETSNS). Also called: RETINOPATHY-SENSORY NEUROPATHY SYNDROME. Identifiers: Orphanet 88628, MedGen C1836916, MONDO:0012177, OMIM 609033.

Allele frequency attached by ClinVar (database versions not stated): gnomAD 0.21651 and 0.22161; TOPMed 0.24669; 1000 Genomes Project 0.28415; 1000 Genomes Project 30x 0.28592.

Submissions (2):

Illumina Laboratory Services, Illumina
Classification: Benign for Posterior column ataxia-retinitis pigmentosa syndrome. Last evaluated: 2018-01-13. Review status: criteria provided, single submitter. Criteria: ICSL Variant Classification Criteria 13 December 2019. Collection method: clinical testing. Allele origin: germline.
Comment: This variant was observed in the ICSL laboratory as part of a predisposition screen in an ostensibly healthy population. It had not been previously curated by ICSL or reported in the Human Gene Mutation Database (HGMD: prior to June 1st, 2018), and was therefore a candidate for classification through an automated scoring system. Utilizing variant allele frequency, disease prevalence and penetrance estimates, and inheritance mode, an automated score was calculated to assess if this variant is too frequent to cause the disease. Based on the score and internal cut-off values, a variant classified as benign is not then subjected to further curation. The score for this variant resulted in a classification of benign for this disease.

Breakthrough Genomics
Classification: Benign. Review status: criteria provided, single submitter. Criteria: ACMG Guidelines, 2015. Collection method: not provided. Allele origin: germline. Inheritance: Autosomal recessive inheritance. Affected: yes.

NM_014053.4(FLVCR1):c.*1106C>T

Gene: FLVCR1 (FLVCR choline and heme transporter 1; plus strand). Cytogenetic location: 1q32.3.
Variant type: single nucleotide variant.
Coding change: c.*1106C>T on transcript NM_014053.4 (MANE Select); 1106 bases downstream of the stop codon, C replaced by T.
Molecular consequence: 3 prime UTR variant.
Genome position (GRCh38, 1-based): chr1:212,896,396, C>T. VCF-style: chr1-212896396-C-T. GRCh37 (hg19) VCF-style: chr1-213069738-C-T.
Identifiers: ClinVar variation 295351 (VCV000295351.6), dbSNP rs12567728, ClinGen allele CA10609085.